The following is an entry in ClinVar:

NM_001563.4(IMPG1):c.541G>A (p.Glu181Lys)

Gene: IMPG1 (interphotoreceptor matrix proteoglycan 1; minus strand). Cytogenetic location: 6q14.1.
Variant type: single nucleotide variant.
Coding change: c.541G>A on transcript NM_001563.4 (MANE Select); coding-DNA position 541, G replaced by A.
Protein change: p.Glu181Lys; replaces glutamic acid 181 with lysine.
Molecular consequence: missense variant.
Genome position (GRCh38, 1-based): chr6:76,025,215, C>T on the plus strand (G>A on the coding strand, the complement: IMPG1 is on the minus strand). VCF-style: chr6-76025215-C-T. GRCh37 (hg19) VCF-style: chr6-76734932-C-T.
Other names: c.307G>A, p.Glu103Lys (NM_001282368.2); c.541G>A (NM_001563.2); short protein forms E103K, E181K.
Identifiers: ClinVar variation 853653 (VCV000853653.8), dbSNP rs376595875, ClinGen allele CA3898459.

ClinVar aggregate classification (germline): Uncertain significance. Review status: criteria provided, multiple submitters, no conflicts (2 of 4 stars). 2 submissions from 2 submitters: Uncertain significance (2). Last evaluated 2025-04-04.

Allele frequency attached by ClinVar (database versions not stated): ExAC 0.00002; gnomAD exomes 0.00002; gnomAD 0.00003 and 0.00004; TOPMed 0.00003; ESP Exome Variant Server 0.00008.
gnomAD v4.1: 31 of 1,602,728 alleles (0.0019%); highest among the groups gnomAD compares: African/African-American, 0.013%; no homozygotes.

Submissions (2):

Ambry Genetics
Classification: Uncertain significance. Last evaluated: 2025-04-04. Review status: criteria provided, single submitter. Criteria: Ambry Variant Classification Scheme 2023. Collection method: clinical testing. Allele origin: germline.

Labcorp Genetics (formerly Invitae), Labcorp
Classification: Uncertain significance. Last evaluated: 2024-11-19. Review status: criteria provided, single submitter. Criteria: Invitae Variant Classification Sherloc (09022015). Collection method: clinical testing. Allele origin: germline.
Comment: This sequence change replaces glutamic acid, which is acidic and polar, with lysine, which is basic and polar, at codon 181 of the IMPG1 protein (p.Glu181Lys). This variant is present in population databases (rs376595875, gnomAD 0.02%). This variant has not been reported in the literature in individuals affected with IMPG1-related conditions. ClinVar contains an entry for this variant (Variation ID: 853653). An algorithm developed to predict the effect of missense changes on protein structure and function outputs the following: PolyPhen-2: "Benign". The lysine amino acid residue is found in multiple mammalian species, which suggests that this missense change does not adversely affect protein function. In summary, the available evidence is currently insufficient to determine the role of this variant in disease. Therefore, it has been classified as a Variant of Uncertain Significance.